The following is an entry in ClinVar:

NM_001164508.2(NEB):c.22685T>C (p.Leu7562Pro)

Genes: NEB (nebulin; minus strand), RIF1 (replication timing regulatory factor 1; plus strand). Cytogenetic location: 2q23.3.
Variant type: single nucleotide variant.
Coding change: c.22685T>C on transcript NM_001164508.2 (MANE Select); coding-DNA position 22685, T replaced by C.
Protein change: p.Leu7562Pro; replaces leucine 7562 with proline.
Molecular consequence: missense variant.
Genome position (GRCh38, 1-based): chr2:151,518,975, A>G on the plus strand (T>C on the coding strand, the complement: NEB is on the minus strand). VCF-style: chr2-151518975-A-G. GRCh37 (hg19) VCF-style: chr2-152375489-A-G.
Other names: NM_001164508.2:c.22685T>C; c.22685T>C, p.Leu7562Pro (NM_001164507.2); c.22790T>C, p.Leu7597Pro (NM_001271208.2); c.17582T>C, p.Leu5861Pro (NM_004543.5); short protein forms L5861P, L7562P, L7597P.
Identifiers: ClinVar variation 3776965 (VCV003776965.1).

ClinVar aggregate classification (germline): Uncertain significance (1 of 4 stars; one submission).

Conditions:
Nemaline myopathy. Also called: Myopathies, Nemaline. Identifiers: Orphanet 607, MedGen C0206157, MONDO:0018958.

gnomAD v4.1: 2 of 1,611,410 alleles (0.00012%); highest among the groups gnomAD compares: Non-Finnish European, 0.00017%; no homozygotes.

Submission:

Broad Center for Mendelian Genomics, Broad Institute of MIT and Harvard
Classification: Uncertain significance for Nemaline myopathy. Last evaluated: 2025-03-03. Review status: criteria provided, single submitter. Criteria: ACMG Guidelines, 2015. Collection method: curation. Allele origin: germline. Inheritance: Autosomal recessive inheritance.
Comment: The p.Leu7562Pro variant in NEB has been reported, in the compound heterozygous state, in one individual with nemaline myopathy (PMID: 21724397), and has been identified in 0.0002% (2/1109582) of European (non-Finnish) chromosomes by the Genome Aggregation Database (gnomAD; dbSNP ID: rs757205373). Although this variant has been seen in the general population in a heterozygous state, its frequency is low enough to be consistent with a recessive carrier frequency. Computational prediction tools and conservation analyses do not provide strong support for or against an impact to the protein. The phenotype of an individual heterozygous for this variant is highly specific for nemaline myopathy based on the presence of nemaline rods consistent with disease (PMID: 21724397). In summary, the clinical significance of the p.Leu7562Pro variant is uncertain. ACMG/AMP Criteria applied: PM3, PP4, PM2_supporting (Richards 2015).